The following is an entry in ClinVar:

NM_014921.5(ADGRL1):c.1660C>T (p.Arg554Ter)

Genes: ADGRL1 (adhesion G protein-coupled receptor L1; minus strand), ADGRL1-AS1 (ADGRL1 antisense RNA 1; plus strand). Cytogenetic location: 19p13.12.
Variant type: single nucleotide variant.
Coding change: c.1660C>T on transcript NM_014921.5 (MANE Select); coding-DNA position 1660, C replaced by T.
Protein change: p.Arg554Ter; replaces arginine 554 with a stop codon.
Molecular consequence: nonsense.
Genome position (GRCh38, 1-based): chr19:14,160,252, G>A on the plus strand (C>T on the coding strand, the complement: ADGRL1 is on the minus strand). VCF-style: chr19-14160252-G-A. GRCh37 (hg19) VCF-style: chr19-14271064-G-A.
Other names: c.1675C>T, p.Arg559Ter (NM_001008701.3); short protein forms R554*, R559*.
Identifiers: ClinVar variation 4879666 (VCV004879666.1).
Genomic context (GRCh38, chr19:14,160,252, plus strand): 5'-GCTCCATCAGCTTCACAGAGGAGGAGACGTCCCCCGCGTAGATGGAGCCCCGGGTGTGTC[G>A]GGCCAGCTCGCTGGCGATGTTGGCCGCGTTCTCCCCACTCTTGATCTGCATGAGGTGGGG-3'

ClinVar aggregate classification (germline): Pathogenic (1 of 4 stars; one submission).

Conditions:
Developmental delay, behavioral abnormalities, and neuropsychiatric disorders (DEDBANP). Identifiers: MedGen C5774224, MONDO:0859292, OMIM 620065.

gnomAD v4.1: 1 of 1,594,546 alleles (0.000063%); highest among the groups gnomAD compares: Non-Finnish European, 0.000086%; no homozygotes.

Submission:

Victorian Clinical Genetics Services, Murdoch Childrens Research Institute
Classification: Pathogenic for Developmental delay, behavioral abnormalities, and neuropsychiatric disorders. Last evaluated: 2026-06-22. Review status: criteria provided, single submitter. Criteria: ACMG Guidelines, 2015. Collection method: clinical testing. Allele origin: germline. Affected: yes.
Comment: This variant is classified as Pathogenic. Evidence in support of pathogenic classification: Variant is predicted to cause nonsense-mediated decay (NMD) and loss of protein (premature termination codon is located at least 54 nucleotides upstream of the final exon-exon junction); Variant is present in gnomAD <0.001 for a dominant condition (v4: 1 heterozygote(s), 0 homozygote(s)); Other NMD-predicted variant(s) comparable to the one identified in this case have very strong previous evidence for pathogenicity (DECIPHER). Additional information: This variant is heterozygous; This gene is associated with autosomal dominant disease; Loss of function is a known mechanism of disease in this gene and is associated with developmental delay, behavioural abnormalities, and neuropsychiatric disorders (MIM#620065) (PMID: 35907405); Variants in this gene are known to have variable expressivity (PMID: 35907405); Inheritance information for this variant is not currently available in this individual.

Literature cited by the submitters: PubMed 35907405.